The following is an entry in ClinVar:

ClinVar aggregate classification (germline): Uncertain significance (1 of 4 stars; one submission).

Conditions:
Familial sleep-related hypermotor epilepsy. Also called: Autosomal Dominant Sleep-Related Hypermotor (Hyperkinetic) Epilepsy. Identifiers: Orphanet 98784, MedGen C3696898, MONDO:0000030.

gnomAD v4.1: 5 of 1,535,680 alleles (0.00033%); highest among the groups gnomAD compares: East Asian, 0.012%; no homozygotes.

Submission:

Labcorp Genetics (formerly Invitae), Labcorp
Classification: Uncertain significance. Last evaluated: 2024-09-10. Review status: criteria provided, single submitter. Criteria: Invitae Variant Classification Sherloc (09022015). Collection method: clinical testing. Allele origin: germline.
Comment: This sequence change replaces glutamic acid, which is acidic and polar, with lysine, which is basic and polar, at codon 418 of the CHRNB2 protein (p.Glu418Lys). This variant is not present in population databases (gnomAD no frequency). This variant has not been reported in the literature in individuals affected with CHRNB2-related conditions. Invitae Evidence Modeling of protein sequence and biophysical properties (such as structural, functional, and spatial information, amino acid conservation, physicochemical variation, residue mobility, and thermodynamic stability) indicates that this missense variant is not expected to disrupt CHRNB2 protein function with a negative predictive value of 80%. In summary, the available evidence is currently insufficient to determine the role of this variant in disease. Therefore, it has been classified as a Variant of Uncertain Significance.

NM_000748.3(CHRNB2):c.1252G>A (p.Glu418Lys)

Gene: CHRNB2 (cholinergic receptor nicotinic beta 2 subunit; plus strand). Cytogenetic location: 1q21.3.
Variant type: single nucleotide variant.
Coding change: c.1252G>A on transcript NM_000748.3 (MANE Select); coding-DNA position 1252, G replaced by A.
Protein change: p.Glu418Lys; replaces glutamic acid 418 with lysine.
Molecular consequence: missense variant.
Genome position (GRCh38, 1-based): chr1:154,572,075, G>A. VCF-style: chr1-154572075-G-A. GRCh37 (hg19) VCF-style: chr1-154544551-G-A.
Other names: short protein forms E418K.
Identifiers: ClinVar variation 3705877 (VCV003705877.2).